The following is an entry in ClinVar:

NM_014476.6(PDLIM3):c.194C>T (p.Ala65Val)

Gene: PDLIM3 (PDZ and LIM domain 3; minus strand). Cytogenetic location: 4q35.1.
Variant type: single nucleotide variant.
Coding change: c.194C>T on transcript NM_014476.6 (MANE Select); coding-DNA position 194, C replaced by T.
Protein change: p.Ala65Val; replaces alanine 65 with valine.
Molecular consequence: missense variant. On other transcripts: non-coding transcript variant (1), intron variant (1).
Genome position (GRCh38, 1-based): chr4:185,525,071, G>A on the plus strand (C>T on the coding strand, the complement: PDLIM3 is on the minus strand). VCF-style: chr4-185525071-G-A. GRCh37 (hg19) VCF-style: chr4-186446225-G-A.
Other names: c.194C>T, p.Ala65Val (NM_001114107.5, NM_001257962.2); c.93+10271C>T (NM_001257963.2); short protein forms A65V.
Identifiers: ClinVar variation 1471831 (VCV001471831.6), dbSNP rs769091239, ClinGen allele CA3159885.

ClinVar aggregate classification (germline): Uncertain significance (1 of 4 stars; one submission).

Conditions:
Primary dilated cardiomyopathy (DCM). Also called: Dilated Cardiomyopathy. Identifiers: Orphanet 217604, MedGen C0007193, MeSH D002311, MONDO:0005021, HP:0001644. Inheritance: Various modes of inheritance.
Hypertrophic cardiomyopathy. Also called: HYPERTROPHIC MYOCARDIOPATHY. Identifiers: Orphanet 217569, MedGen C0007194, MeSH D002312, MONDO:0005045, HP:0001639.

Allele frequency attached by ClinVar (database versions not stated): gnomAD exomes 0.00001; TOPMed below 0.00001; ExAC 0.00001; gnomAD 0.00001.
gnomAD v4.1: 11 of 1,613,916 alleles (0.00068%); highest among the groups gnomAD compares: East Asian, 0.0022%; no homozygotes.

Submission:

Labcorp Genetics (formerly Invitae), Labcorp
Classification: Uncertain significance for Hypertrophic cardiomyopathy; Primary dilated cardiomyopathy. Last evaluated: 2025-08-06. Review status: criteria provided, single submitter. Criteria: Invitae Variant Classification Sherloc (09022015). Collection method: clinical testing. Allele origin: germline.
Comment: This sequence change replaces alanine, which is neutral and non-polar, with valine, which is neutral and non-polar, at codon 65 of the PDLIM3 protein (p.Ala65Val). This variant is present in population databases (rs769091239, gnomAD 0.006%). This variant has not been reported in the literature in individuals affected with PDLIM3-related conditions. ClinVar contains an entry for this variant (Variation ID: 1471831). Invitae Evidence Modeling of protein sequence and biophysical properties (such as structural, functional, and spatial information, amino acid conservation, physicochemical variation, residue mobility, and thermodynamic stability) indicates that this missense variant is expected to disrupt PDLIM3 protein function with a positive predictive value of 80%. In summary, the available evidence is currently insufficient to determine the role of this variant in disease. Therefore, it has been classified as a Variant of Uncertain Significance.